The following is an entry in ClinVar:

ClinVar aggregate classification (germline): Likely pathogenic (1 of 4 stars; one submission).

Conditions:
Congenital hyperammonemia, type I. Also called: Carbamoyl phosphate synthetase I deficiency disease; Carbamoyl phosphate synthetase 1 deficiency; Hyperammonemia due to carbamoyl phosphate synthetase 1 deficiency; CPS 1 deficiency; Carbamyl phosphate synthetase (CPS) deficiency; Carbamoyl-phosphate synthase I deficiency. Identifiers: Orphanet 147, MedGen C4082171, MONDO:0009376, OMIM 237300.

Submission:

Myriad Genetics, Inc.
Classification: Likely pathogenic for Congenital hyperammonemia, type I. Last evaluated: 2020-02-10. Review status: criteria provided, single submitter. Criteria: Myriad Women's Health Autosomal Recessive and X-Linked Classification Criteria (2019). Collection method: clinical testing. Allele origin: unknown.
Comment: NM_001875.4(CPS1):c.3349G>T(E1117*) is expected to be pathogenic in the context of carbamoylphosphate synthetase I deficiency. This variant is predicted to lead to an abnormal or absent protein product due to the creation of a premature termination codon in CPS1, a gene where loss-of-function variants are known to be pathogenic. Please note: this variant was assessed in the context of healthy population screening.

NM_001875.5(CPS1):c.3349G>T (p.Glu1117Ter)

Gene: CPS1 (carbamoyl-phosphate synthase 1; plus strand). Cytogenetic location: 2q34.
Variant type: single nucleotide variant.
Coding change: c.3349G>T on transcript NM_001875.5 (MANE Select); coding-DNA position 3349, G replaced by T.
Protein change: p.Glu1117Ter; replaces glutamic acid 1117 with a stop codon.
Molecular consequence: nonsense. On other transcripts: non-coding transcript variant (2).
Genome position (GRCh38, 1-based): chr2:210,648,485, G>T. VCF-style: chr2-210648485-G-T. GRCh37 (hg19) VCF-style: chr2-211513209-G-T.
Other names: c.3349G>T, p.Glu1117Ter (NM_001122633.3, NM_001369257.1); c.3382G>T, p.Glu1128Ter (NM_001369256.1); short protein forms E1117*, E1128*.
Identifiers: ClinVar variation 983913 (VCV000983913.3), dbSNP rs779856996, ClinGen allele CA350436488.